The following is an entry in ClinVar:

ClinVar aggregate classification (germline): Likely benign (0 of 4 stars; one submission).

Conditions:
CLPTM1-related disorder. Also called: CLPTM1-related condition.

Allele frequency attached by ClinVar (database versions not stated): gnomAD exomes below 0.00001; gnomAD 0.00003; TOPMed 0.00003.
gnomAD v4.1: 7 of 1,614,160 alleles (0.00043%); highest among the groups gnomAD compares: African/African-American, 0.0067%; no homozygotes.

Submission:

PreventionGenetics, part of Exact Sciences
Classification: Likely benign for CLPTM1-related condition. Last evaluated: 2019-09-19. Review status: no assertion criteria provided. Collection method: clinical testing. Allele origin: germline.
Comment: This variant is classified as likely benign based on ACMG/AMP sequence variant interpretation guidelines (Richards et al. 2015 PMID: 25741868, with internal and published modifications).

NM_001294.4(CLPTM1):c.852C>T (p.Tyr284=)

Gene: CLPTM1 (CLPTM1 regulator of GABA type A receptor forward trafficking; plus strand). Cytogenetic location: 19q13.32.
Variant type: single nucleotide variant.
Coding change: c.852C>T on transcript NM_001294.4 (MANE Select); coding-DNA position 852, C replaced by T.
Protein change: p.Tyr284=; no amino-acid change (tyrosine 284 retained).
Molecular consequence: synonymous variant.
Genome position (GRCh38, 1-based): chr19:44,987,237, C>T. VCF-style: chr19-44987237-C-T. GRCh37 (hg19) VCF-style: chr19-45490495-C-T.
Other names: c.810C>T, p.Tyr270= (NM_001282175.2); c.546C>T, p.Tyr182= (NM_001282176.2).
Identifiers: ClinVar variation 3039867 (VCV003039867.2), dbSNP rs1318176090, ClinGen allele CA507948002.